The following is an entry in ClinVar:

ClinVar aggregate classification (germline): Likely pathogenic (1 of 4 stars; one submission).

Conditions:
Mucopolysaccharidosis type 6 (MPS6). Also called: MPS VI; ARSB DEFICIENCY; ARYLSULFATASE B DEFICIENCY; MPS 6; Maroteaux Lamy syndrome; N-ACETYLGALACTOSAMINE-4-SULFATASE DEFICIENCY. Identifiers: Orphanet 583, MedGen C0026709, MONDO:0009661, OMIM 253200.

gnomAD v4.1: 3 of 1,614,150 alleles (0.00019%); highest among the groups gnomAD compares: South Asian, 0.0022%; no homozygotes.

Submission:

Labcorp Genetics (formerly Invitae), Labcorp
Classification: Likely pathogenic for Mucopolysaccharidosis type 6. Last evaluated: 2022-08-22. Review status: criteria provided, single submitter. Criteria: Invitae Variant Classification Sherloc (09022015). Collection method: clinical testing. Allele origin: germline.
Comment: In summary, the currently available evidence indicates that the variant is pathogenic, but additional data are needed to prove that conclusively. Therefore, this variant has been classified as Likely Pathogenic. This variant disrupts the p.Asp486 amino acid residue in ARSB. Other variant(s) that disrupt this residue have been determined to be pathogenic (PMID: 23023219, 30982216). This suggests that this residue is clinically significant, and that variants that disrupt this residue are likely to be disease-causing. Advanced modeling of protein sequence and biophysical properties (such as structural, functional, and spatial information, amino acid conservation, physicochemical variation, residue mobility, and thermodynamic stability) performed at Invitae indicates that this missense variant is expected to disrupt ARSB protein function. This variant has not been reported in the literature in individuals affected with ARSB-related conditions. This variant is not present in population databases (gnomAD no frequency). This sequence change replaces aspartic acid, which is acidic and polar, with glutamic acid, which is acidic and polar, at codon 486 of the ARSB protein (p.Asp486Glu).

Literature cited by the submitters: PubMed 23023219; PubMed 30982216.

NM_000046.5(ARSB):c.1458C>A (p.Asp486Glu)

Gene: ARSB (arylsulfatase B; minus strand). Cytogenetic location: 5q14.1.
Variant type: single nucleotide variant.
Coding change: c.1458C>A on transcript NM_000046.5 (MANE Select); coding-DNA position 1458, C replaced by A.
Protein change: p.Asp486Glu; replaces aspartic acid 486 with glutamic acid.
Molecular consequence: missense variant.
Genome position (GRCh38, 1-based): chr5:78,780,541, G>T on the plus strand (C>A on the coding strand, the complement: ARSB is on the minus strand). VCF-style: chr5-78780541-G-T. GRCh37 (hg19) VCF-style: chr5-78076364-G-T.
Other names: short protein forms D486E.
Identifiers: ClinVar variation 2026365 (VCV002026365.4), dbSNP rs765872780, ClinGen allele CA360339067.